The following is an entry in ClinVar:

ClinVar aggregate classification (germline): Uncertain significance. Review status: criteria provided, multiple submitters, no conflicts (2 of 4 stars). 2 submissions from 2 submitters: Uncertain significance (2). Last evaluated 2026-01-12.

Conditions:
Deficiency of isobutyryl-CoA dehydrogenase. Also called: IBD DEFICIENCY; ACAD8 DEFICIENCY; ACYL-CoA DEHYDROGENASE FAMILY, MEMBER 8, DEFICIENCY OF. Identifiers: Orphanet 79159, MedGen C1969809, MONDO:0012648, OMIM 611283.

Allele frequency attached by ClinVar (database versions not stated): ExAC 0.00003; gnomAD exomes 0.00007; TOPMed 0.00008; gnomAD 0.00011 and 0.00012.
gnomAD v4.1: 143 of 1,614,096 alleles (0.0089%); highest among the groups gnomAD compares: Non-Finnish European, 0.011%; no homozygotes.

Submissions (2):

Labcorp Genetics (formerly Invitae), Labcorp
Classification: Uncertain significance for Deficiency of isobutyryl-CoA dehydrogenase. Last evaluated: 2026-01-12. Review status: criteria provided, single submitter. Criteria: Invitae Variant Classification Sherloc (09022015). Collection method: clinical testing. Allele origin: germline.
Comment: This sequence change replaces valine, which is neutral and non-polar, with isoleucine, which is neutral and non-polar, at codon 203 of the ACAD8 protein (p.Val203Ile). This variant is present in population databases (rs759877257, gnomAD 0.01%). This missense change has been observed in individual(s) with isobutyryl-CoA dehydrogenase deficiency (PMID: 15505379). In at least one individual the data is consistent with being in trans (on the opposite chromosome) from a pathogenic variant. ClinVar contains an entry for this variant (Variation ID: 1444105). Invitae Evidence Modeling of protein sequence and biophysical properties (such as structural, functional, and spatial information, amino acid conservation, physicochemical variation, residue mobility, and thermodynamic stability) indicates that this missense variant is not expected to disrupt ACAD8 protein function with a negative predictive value of 80%. In summary, the available evidence is currently insufficient to determine the role of this variant in disease. Therefore, it has been classified as a Variant of Uncertain Significance.

Blueprint Genetics
Classification: Uncertain significance. Last evaluated: 2023-07-27. Review status: criteria provided, single submitter. Criteria: ACMG Guidelines, 2015. Collection method: clinical testing. Allele origin: germline.

Literature cited by the submitters: PubMed 15505379 (cited by Labcorp Genetics (formerly Invitae), Labcorp).

NM_014384.3(ACAD8):c.607G>A (p.Val203Ile)

Gene: ACAD8 (acyl-CoA dehydrogenase family member 8; plus strand). Cytogenetic location: 11q25.
Variant type: single nucleotide variant.
Coding change: c.607G>A on transcript NM_014384.3 (MANE Select); coding-DNA position 607, G replaced by A.
Protein change: p.Val203Ile; replaces valine 203 with isoleucine.
Molecular consequence: missense variant.
Genome position (GRCh38, 1-based): chr11:134,259,647, G>A. VCF-style: chr11-134259647-G-A. GRCh37 (hg19) VCF-style: chr11-134129541-G-A.
Other names: short protein forms V203I.
Identifiers: ClinVar variation 1444105 (VCV001444105.7), dbSNP rs759877257, ClinGen allele CA6373016.